The following is an entry in ClinVar:

NM_001351132.2(PEX5):c.1182G>A (p.Arg394=)

Gene: PEX5 (peroxisomal biogenesis factor 5; plus strand). Cytogenetic location: 12p13.31.
Variant type: single nucleotide variant.
Coding change: c.1182G>A on transcript NM_001351132.2 (MANE Select); coding-DNA position 1182, G replaced by A.
Protein change: p.Arg394=; no amino-acid change (arginine 394 retained).
Molecular consequence: synonymous variant.
Genome position (GRCh38, 1-based): chr12:7,208,457, G>A. VCF-style: chr12-7208457-G-A. GRCh37 (hg19) VCF-style: chr12-7361053-G-A.
Other names: c.1158G>A, p.Arg386= (NM_000319.5); c.1227G>A, p.Arg409= (NM_001131023.2); c.1071G>A, p.Arg357= (NM_001131024.2, NM_001351124.3, NM_001351126.2 and 7 more transcripts); c.1182G>A, p.Arg394= (NM_001131025.2, NM_001131026.2, NM_001300789.3 and 4 more transcripts); c.1116G>A, p.Arg372= (NM_001351135.3, NM_001351138.2); c.1173G>A, p.Arg391= (NM_001351136.2); c.1047G>A, p.Arg349= (NM_001351139.2, NM_001351140.2, NM_001374649.2).
Identifiers: ClinVar variation 1052375 (VCV001052375.4), dbSNP rs199624284, ClinGen allele CA6426401.

ClinVar aggregate classification (germline): Uncertain significance (1 of 4 stars; one submission).

Conditions:
Peroxisome biogenesis disorder 2B (PBD2B). Identifiers: Orphanet 44, MedGen C3550234, MONDO:0008736, OMIM 202370.

Allele frequency attached by ClinVar (database versions not stated): TOPMed 0.00001.

Submission:

Labcorp Genetics (formerly Invitae), Labcorp
Classification: Uncertain significance for Peroxisome biogenesis disorder 2B. Last evaluated: 2022-04-07. Review status: criteria provided, single submitter. Criteria: Invitae Variant Classification Sherloc (09022015). Collection method: clinical testing. Allele origin: germline.
Comment: This sequence change affects codon 394 of the PEX5 mRNA. It is a 'silent' change, meaning that it does not change the encoded amino acid sequence of the PEX5 protein. It affects a nucleotide within the consensus splice site. This variant is present in population databases (rs199624284, gnomAD 0.0009%). This variant has not been reported in the literature in individuals affected with PEX5-related conditions. ClinVar contains an entry for this variant (Variation ID: 1052375). Algorithms developed to predict the effect of sequence changes on RNA splicing suggest that this variant may create or strengthen a splice site. In summary, the available evidence is currently insufficient to determine the role of this variant in disease. Therefore, it has been classified as a Variant of Uncertain Significance.